The following is an entry in ClinVar:

NM_001069.3(TUBB2A):c.504C>T (p.Ser168=)

Gene: TUBB2A (tubulin beta 2A class IIa; minus strand). Cytogenetic location: 6p25.2.
Variant type: single nucleotide variant.
Coding change: c.504C>T on transcript NM_001069.3 (MANE Select); coding-DNA position 504, C replaced by T.
Protein change: p.Ser168=; no amino-acid change (serine 168 retained).
Molecular consequence: synonymous variant.
Genome position (GRCh38, 1-based): chr6:3,154,697, G>A on the plus strand (C>T on the coding strand, the complement: TUBB2A is on the minus strand). VCF-style: chr6-3154697-G-A. GRCh37 (hg19) VCF-style: chr6-3154931-G-A.
Other names: c.249C>T, p.Ser83= (NM_001310315.2).
Identifiers: ClinVar variation 212496 (VCV000212496.15), dbSNP rs147339483, ClinGen allele CA209014.
Genomic context (GRCh38, chr6:3,154,697, plus strand): 5'-AGAGAGGGTGGCGTTGTAGGGCTCCACCACCGTGTCTGACACCTTGGGTGAGGGCATGAC[G>A]CTGAAGGTGTTCATGATGCGGTCTGGGTACTCTTCCCGGATCTTGCTGATGAGCAGGGTG-3'
Protein context (NP_001060.1, residues 158-178): EYPDRIMNTF[Ser168=]VMPSPKVSDT

ClinVar aggregate classification (germline): Benign/Likely benign. Review status: criteria provided, multiple submitters, no conflicts (2 of 4 stars). 4 submissions from 4 submitters: Benign (3); Likely benign (1). Last evaluated 2026-02-03.

Allele frequency attached by ClinVar (database versions not stated): gnomAD exomes 0.00059 and 0.00148; ExAC 0.00188; gnomAD 0.00553 and 0.00591; TOPMed 0.00645; ESP Exome Variant Server 0.00701; 1000 Genomes Project 0.00819; 1000 Genomes Project 30x 0.00859.
gnomAD v4.1: 1,755 of 1,612,650 alleles (0.11%); highest among the groups gnomAD compares: African/African-American, 2%; 17 homozygotes.

Submissions (4):

Labcorp Genetics (formerly Invitae), Labcorp
Classification: Benign. Last evaluated: 2026-02-03. Review status: criteria provided, single submitter. Criteria: Invitae Variant Classification Sherloc (09022015). Collection method: clinical testing. Allele origin: germline.

Blueprint Genetics
Classification: Likely benign. Last evaluated: 2024-11-06. Review status: criteria provided, single submitter. Criteria: ACMG Guidelines, 2015. Collection method: clinical testing. Allele origin: germline.

GeneDx
Classification: Benign. Last evaluated: 2017-03-22. Review status: criteria provided, single submitter. Criteria: GeneDx Variant Classification (06012015). Collection method: clinical testing. Allele origin: germline. Affected: yes.
Comment: This variant is considered likely benign or benign based on one or more of the following criteria: it is a conservative change, it occurs at a poorly conserved position in the protein, it is predicted to be benign by multiple in silico algorithms, and/or has population frequency not consistent with disease.

Genetic Services Laboratory, University of Chicago
Classification: Benign. Last evaluated: 2016-08-30. Review status: criteria provided, single submitter. Criteria: ACMG Guidelines, 2015. Collection method: clinical testing. Allele origin: germline. Affected: no.